The following is an entry in ClinVar:

NM_001165963.4(SCN1A):c.2861A>T (p.Glu954Val)

Gene: SCN1A (sodium voltage-gated channel alpha subunit 1; minus strand). Cytogenetic location: 2q24.3.
Variant type: single nucleotide variant.
Coding change: c.2861A>T on transcript NM_001165963.4 (MANE Select); coding-DNA position 2861, A replaced by T.
Protein change: p.Glu954Val; replaces glutamic acid 954 with valine.
Molecular consequence: missense variant. On other transcripts: non-coding transcript variant (1).
Genome position (GRCh38, 1-based): chr2:166,037,861, T>A on the plus strand (A>T on the coding strand, the complement: SCN1A is on the minus strand). VCF-style: chr2-166037861-T-A. GRCh37 (hg19) VCF-style: chr2-166894371-T-A.
Other names: c.2777A>T, p.Glu926Val (NM_001165964.3, NM_001353957.2, NM_001353958.2); c.2861A>T, p.Glu954Val (NM_001202435.3, NM_001353948.2); c.2828A>T, p.Glu943Val (NM_001353949.2, NM_001353950.2, NM_001353951.2 and 2 more transcripts); c.2825A>T, p.Glu942Val (NM_001353954.2, NM_001353955.2); c.2774A>T, p.Glu925Val (NM_001353960.2); c.419A>T, p.Glu140Val (NM_001353961.2); short protein forms E943V, E954V, E942V, E140V, E925V, E926V.
Identifiers: ClinVar variation 238601 (VCV000238601.9), dbSNP rs878854262, ClinGen allele CA10581822.

ClinVar aggregate classification (germline): Pathogenic (1 of 4 stars; one submission).

Conditions:
Early-infantile DEE. Also called: Ohtahara syndrome; Early infantile epileptic encephalopathy; Early infantile epileptic encephalopathy with suppression bursts. Identifiers: Orphanet 1934, MedGen C0393706, MONDO:0800491.

Submission:

Labcorp Genetics (formerly Invitae), Labcorp
Classification: Pathogenic for Early-infantile DEE. Last evaluated: 2025-01-15. Review status: criteria provided, single submitter. Criteria: Invitae Variant Classification Sherloc (09022015). Collection method: clinical testing. Allele origin: germline.
Comment: This sequence change replaces glutamic acid, which is acidic and polar, with valine, which is neutral and non-polar, at codon 954 of the SCN1A protein (p.Glu954Val). This variant is not present in population databases (gnomAD no frequency). This missense change has been observed in individual(s) with clinical features of SCN1A-related conditions (internal data). In at least one individual the variant was observed to be de novo. ClinVar contains an entry for this variant (Variation ID: 238601). Invitae Evidence Modeling of protein sequence and biophysical properties (such as structural, functional, and spatial information, amino acid conservation, physicochemical variation, residue mobility, and thermodynamic stability) indicates that this missense variant is expected to disrupt SCN1A protein function with a positive predictive value of 95%. For these reasons, this variant has been classified as Pathogenic.